The following is an entry in ClinVar:

ClinVar aggregate classification (germline): Uncertain significance. Review status: criteria provided, multiple submitters, no conflicts (2 of 4 stars). 2 submissions from 2 submitters: Uncertain significance (2). Last evaluated 2024-03-09.

Conditions:
Hereditary cancer-predisposing syndrome. Also called: Hereditary neoplastic syndrome; Neoplastic Syndromes, Hereditary; Tumor predisposition; Hereditary Cancer Syndrome. Identifiers: Orphanet 140162, MedGen C0027672, MeSH D009386, MONDO:0015356.

Allele frequency attached by ClinVar (database versions not stated): gnomAD exomes below 0.00001; ExAC 0.00001.
gnomAD v4.1: 2 of 1,614,200 alleles (0.00012%); highest among the groups gnomAD compares: Non-Finnish European, 0.00017%; no homozygotes.

Submissions (2):

Labcorp Genetics (formerly Invitae), Labcorp
Classification: Uncertain significance. Last evaluated: 2024-03-09. Review status: criteria provided, single submitter. Criteria: Invitae Variant Classification Sherloc (09022015). Collection method: clinical testing. Allele origin: germline.
Comment: This sequence change replaces glutamic acid, which is acidic and polar, with glutamine, which is neutral and polar, at codon 1977 of the POLE protein (p.Glu1977Gln). This variant is present in population databases (rs769167837, gnomAD 0.0009%). This variant has not been reported in the literature in individuals affected with POLE-related conditions. ClinVar contains an entry for this variant (Variation ID: 1003993). Advanced modeling of protein sequence and biophysical properties (such as structural, functional, and spatial information, amino acid conservation, physicochemical variation, residue mobility, and thermodynamic stability) performed at Invitae indicates that this missense variant is not expected to disrupt POLE protein function with a negative predictive value of 80%. In summary, the available evidence is currently insufficient to determine the role of this variant in disease. Therefore, it has been classified as a Variant of Uncertain Significance.

Ambry Genetics
Classification: Uncertain significance for Hereditary cancer-predisposing syndrome. Last evaluated: 2023-12-25. Review status: criteria provided, single submitter. Criteria: Ambry Variant Classification Scheme 2023. Collection method: clinical testing. Allele origin: germline.
Comment: The p.E1977Q variant (also known as c.5929G>C), located in coding exon 43 of the POLE gene, results from a G to C substitution at nucleotide position 5929. The glutamic acid at codon 1977 is replaced by glutamine, an amino acid with highly similar properties. This amino acid position is conserved. In addition, this alteration is predicted to be tolerated by in silico analysis. Since supporting evidence is limited at this time, the clinical significance of this alteration remains unclear.

NM_006231.4(POLE):c.5929G>C (p.Glu1977Gln)

Gene: POLE (DNA polymerase epsilon, catalytic subunit; minus strand). Cytogenetic location: 12q24.33.
Variant type: single nucleotide variant.
Coding change: c.5929G>C on transcript NM_006231.4 (MANE Select); coding-DNA position 5929, G replaced by C.
Protein change: p.Glu1977Gln; replaces glutamic acid 1977 with glutamine.
Molecular consequence: missense variant.
Genome position (GRCh38, 1-based): chr12:132,634,261, C>G on the plus strand (G>C on the coding strand, the complement: POLE is on the minus strand). VCF-style: chr12-132634261-C-G. GRCh37 (hg19) VCF-style: chr12-133210847-C-G.
Other names: c.5929G>C (NM_006231.2); short protein forms E1977Q.
Identifiers: ClinVar variation 1003993 (VCV001003993.9), dbSNP rs769167837, ClinGen allele CA6892335.